The following is an entry in ClinVar:

ClinVar aggregate classification (germline): Likely benign (1 of 4 stars; one submission).

Conditions:
Holoprosencephaly 11 (HPE11). Identifiers: Orphanet 2162, MedGen C3280215, MONDO:0013642, OMIM 614226.

Allele frequency attached by ClinVar (database versions not stated): 1000 Genomes Project 30x 0.00141; TOPMed 0.00177; 1000 Genomes Project 0.00120.

Submission:

Illumina Laboratory Services, Illumina
Classification: Likely benign for Holoprosencephaly 11. Last evaluated: 2018-01-12. Review status: criteria provided, single submitter. Criteria: ICSL Variant Classification Criteria 13 December 2019. Collection method: clinical testing. Allele origin: germline.
Comment: This variant was observed in the ICSL laboratory as part of a predisposition screen in an ostensibly healthy population. It had not been previously curated by ICSL or reported in the Human Gene Mutation Database (HGMD: prior to June 1st, 2018), and was therefore a candidate for classification through an automated scoring system. Utilizing variant allele frequency, disease prevalence and penetrance estimates, and inheritance mode, an automated score was calculated to assess if this variant is too frequent to cause the disease. Based on the score and internal cut-off values, a variant classified as likely benign is not then subjected to further curation. The score for this variant resulted in a classification of likely benign for this disease.

NM_001378964.1(CDON):c.*1457G>A

Gene: CDON (cell adhesion associated, oncogene regulated; minus strand). Cytogenetic location: 11q24.2.
Variant type: single nucleotide variant.
Coding change: c.*1457G>A on transcript NM_001378964.1 (MANE Select); 1457 bases downstream of the stop codon, G replaced by A.
Molecular consequence: 3 prime UTR variant.
Genome position (GRCh38, 1-based): chr11:125,959,485, C>T on the plus strand (G>A on the coding strand, the complement: CDON is on the minus strand). VCF-style: chr11-125959485-C-T. GRCh37 (hg19) VCF-style: chr11-125829380-C-T.
Other names: c.*1457G>A (NM_001243597.3, NM_016952.6).
Identifiers: ClinVar variation 880466 (VCV000880466.4), dbSNP rs141994408, ClinGen allele CA230550959.